The following is an entry in ClinVar:

NM_024675.4(PALB2):c.1532G>T (p.Arg511Ile)

Gene: PALB2 (partner and localizer of BRCA2; minus strand). Cytogenetic location: 16p12.2.
Variant type: single nucleotide variant.
Coding change: c.1532G>T on transcript NM_024675.4 (MANE Select); coding-DNA position 1532, G replaced by T.
Protein change: p.Arg511Ile; replaces arginine 511 with isoleucine.
Molecular consequence: missense variant.
Genome position (GRCh38, 1-based): chr16:23,635,014, C>A on the plus strand (G>T on the coding strand, the complement: PALB2 is on the minus strand). VCF-style: chr16-23635014-C-A. GRCh37 (hg19) VCF-style: chr16-23646335-C-A.
Other names: short protein forms R511I.
Identifiers: ClinVar variation 628119 (VCV000628119.4), dbSNP rs1555461231, ClinGen allele CA395130927.
Genomic context (GRCh38, chr16:23,635,014, plus strand): 5'-AAAAGTGGTTCACAATGATCTGATGCTGGGGTGCAGGCTGATTTTCTTTTTCCTGTGTAT[C>A]TTCTACCAGGTGCTTGGGCAACTGCCTTCCTAGACAAGTCATTATCTTCAGTGGGCCCAG-3'
Protein context (NP_078951.2, residues 501-521): RKAVAQAPGR[Arg511Ile]YTGKRKSACT

ClinVar aggregate classification (germline): Uncertain significance (1 of 4 stars; one submission).

Conditions:
Hereditary cancer-predisposing syndrome. Also called: Neoplastic Syndromes, Hereditary; Tumor predisposition; Hereditary neoplastic syndrome; Hereditary Cancer Syndrome. Identifiers: Orphanet 140162, MedGen C0027672, MeSH D009386, MONDO:0015356.

Submission:

Color Diagnostics, LLC DBA Color Health
Classification: Uncertain significance for Hereditary cancer-predisposing syndrome. Last evaluated: 2023-12-05. Review status: criteria provided, single submitter. Criteria: ACMG Guidelines, 2015. Collection method: clinical testing. Allele origin: germline.
Comment: This missense variant replaces arginine with isoleucine at codon 511 of the PALB2 protein. Computational prediction suggests that this variant may not impact protein structure and function (internally defined REVEL score threshold <= 0.5, PMID: 27666373). To our knowledge, functional studies have not been reported for this variant. This variant has not been reported in individuals affected with PALB2-related disorders in the literature. This variant has not been identified in the general population by the Genome Aggregation Database (gnomAD). The available evidence is insufficient to determine the role of this variant in disease conclusively. Therefore, this variant is classified as a Variant of Uncertain Significance.